The following is an entry in ClinVar:

ClinVar aggregate classification (germline): Uncertain significance (1 of 4 stars; one submission).

Conditions:
Inborn genetic diseases. Identifiers: MedGen C0950123, MeSH D030342.

Submission:

Ambry Genetics
Classification: Uncertain significance for Inborn genetic diseases. Last evaluated: 2025-05-17. Review status: criteria provided, single submitter. Criteria: Ambry Variant Classification Scheme 2023. Collection method: clinical testing. Allele origin: germline.
Comment: The p.A76T variant (also known as c.226G>A), located in coding exon 2 of the RTEL1 gene, results from a G to A substitution at nucleotide position 226. The alanine at codon 76 is replaced by threonine, an amino acid with similar properties. This amino acid position is conserved. In addition, this alteration is predicted to be tolerated by in silico analysis. Based on the available evidence, the clinical significance of this variant remains unclear.

NM_001283009.2(RTEL1):c.226G>A (p.Ala76Thr)

Genes: RTEL1 (regulator of telomere elongation helicase 1; plus strand), RTEL1-TNFRSF6B (RTEL1-TNFRSF6B readthrough (NMD candidate); plus strand). Cytogenetic location: 20q13.33.
Variant type: single nucleotide variant.
Coding change: c.226G>A on transcript NM_001283009.2 (MANE Select); coding-DNA position 226, G replaced by A.
Protein change: p.Ala76Thr; replaces alanine 76 with threonine.
Molecular consequence: missense variant. On other transcripts: non-coding transcript variant (1), 5 prime UTR variant (1).
Genome position (GRCh38, 1-based): chr20:63,661,421, G>A. VCF-style: chr20-63661421-G-A. GRCh37 (hg19) VCF-style: chr20-62292774-G-A.
Other names: c.-444G>A (NM_001283010.1); c.226G>A, p.Ala76Thr (NM_016434.4, NM_032957.5); short protein forms A76T.
Identifiers: ClinVar variation 3948399 (VCV003948399.1).